The following is an entry in ClinVar:

ClinVar aggregate classification (germline): Uncertain significance (1 of 4 stars; one submission).

Submission:

Labcorp Genetics (formerly Invitae), Labcorp
Classification: Uncertain significance. Last evaluated: 2023-02-10. Review status: criteria provided, single submitter. Criteria: Invitae Variant Classification Sherloc (09022015). Collection method: clinical testing. Allele origin: germline.
Comment: This variant has not been reported in the literature in individuals affected with FRAS1-related conditions. This variant is not present in population databases (gnomAD no frequency). This sequence change replaces leucine, which is neutral and non-polar, with phenylalanine, which is neutral and non-polar, at codon 3142 of the FRAS1 protein (p.Leu3142Phe). Advanced modeling of protein sequence and biophysical properties (such as structural, functional, and spatial information, amino acid conservation, physicochemical variation, residue mobility, and thermodynamic stability) has been performed at Invitae for this missense variant, however the output from this modeling did not meet the statistical confidence thresholds required to predict the impact of this variant on FRAS1 protein function. In summary, the available evidence is currently insufficient to determine the role of this variant in disease. Therefore, it has been classified as a Variant of Uncertain Significance.

NM_025074.7(FRAS1):c.9424C>T (p.Leu3142Phe)

Gene: FRAS1 (Fraser extracellular matrix complex subunit 1; plus strand). Cytogenetic location: 4q21.21.
Variant type: single nucleotide variant.
Coding change: c.9424C>T on transcript NM_025074.7 (MANE Select); coding-DNA position 9424, C replaced by T.
Protein change: p.Leu3142Phe; replaces leucine 3142 with phenylalanine.
Molecular consequence: missense variant.
Genome position (GRCh38, 1-based): chr4:78,507,528, C>T. VCF-style: chr4-78507528-C-T. GRCh37 (hg19) VCF-style: chr4-79428682-C-T.
Other names: short protein forms L3142F.
Identifiers: ClinVar variation 2989949 (VCV002989949.1), dbSNP rs968093, ClinGen allele CA99970856.
Genomic context (GRCh38, chr4:78,507,528, plus strand): 5'-CGGGAATGGCATGAATCTTTCTCACTAGTCCTTGGCCCAGATGACCCAGTGGAAGCAGTT[C>T]TTGGGGATGTGACTACTGCCACGGTGACAATTCTAGACCAGGAGGCAGCAGGGAGCCTCA-3'
Protein context (NP_079350.5, residues 3132-3152): LGPDDPVEAV[Leu3142Phe]GDVTTATVTI